The following is an entry in ClinVar:

NM_001385125.1(OPN1SW):c.691C>T (p.Gln231Ter)

Gene: OPN1SW (opsin 1, short wave sensitive; minus strand). Cytogenetic location: 7q32.1.
Variant type: single nucleotide variant.
Coding change: c.691C>T on transcript NM_001385125.1 (MANE Select); coding-DNA position 691, C replaced by T.
Protein change: p.Gln231Ter; replaces glutamine 231 with a stop codon.
Molecular consequence: nonsense.
Genome position (GRCh38, 1-based): chr7:128,773,876, G>A on the plus strand (C>T on the coding strand, the complement: OPN1SW is on the minus strand). VCF-style: chr7-128773876-G-A. GRCh37 (hg19) VCF-style: chr7-128413930-G-A.
Other names: short protein forms Q231*.
Identifiers: ClinVar variation 1431779 (VCV001431779.7), dbSNP rs1432324882, ClinGen allele CA369218160.

ClinVar aggregate classification (germline): Uncertain significance. Review status: criteria provided, multiple submitters, no conflicts (2 of 4 stars). 2 submissions from 2 submitters: Uncertain significance (2). Last evaluated 2024-06-26.

Allele frequency attached by ClinVar (database versions not stated): TOPMed below 0.00001; gnomAD exomes 0.00001.

Submissions (2):

Blueprint Genetics
Classification: Uncertain significance. Last evaluated: 2024-06-26. Review status: criteria provided, single submitter. Criteria: ACMG Guidelines, 2015. Collection method: clinical testing. Allele origin: germline.

Labcorp Genetics (formerly Invitae), Labcorp
Classification: Uncertain significance. Last evaluated: 2022-10-17. Review status: criteria provided, single submitter. Criteria: Invitae Variant Classification Sherloc (09022015). Collection method: clinical testing. Allele origin: germline.
Comment: This sequence change creates a premature translational stop signal (p.Gln234*) in the OPN1SW gene. It is expected to result in an absent or disrupted protein product. However, the current clinical and genetic evidence is not sufficient to establish whether loss-of-function variants in OPN1SW cause disease. This variant is not present in population databases (gnomAD no frequency). This variant has not been reported in the literature in individuals affected with OPN1SW-related conditions. ClinVar contains an entry for this variant (Variation ID: 1431779). In summary, the available evidence is currently insufficient to determine the role of this variant in disease. Therefore, it has been classified as a Variant of Uncertain Significance.